The following is an entry in ClinVar:

NM_001288705.3(CSF1R):c.2137A>G (p.Ser713Gly)

Gene: CSF1R (colony stimulating factor 1 receptor; minus strand). Cytogenetic location: 5q32.
Variant type: single nucleotide variant.
Coding change: c.2137A>G on transcript NM_001288705.3 (MANE Select); coding-DNA position 2137, A replaced by G.
Protein change: p.Ser713Gly; replaces serine 713 with glycine.
Molecular consequence: missense variant. On other transcripts: non-coding transcript variant (2).
Genome position (GRCh38, 1-based): chr5:150,057,588, T>C on the plus strand (A>G on the coding strand, the complement: CSF1R is on the minus strand). VCF-style: chr5-150057588-T-C. GRCh37 (hg19) VCF-style: chr5-149437151-T-C.
Other names: c.2137A>G, p.Ser713Gly (NM_001349736.2, NM_001375320.1, NM_005211.4); c.1693A>G, p.Ser565Gly (NM_001375321.1); short protein forms S713G, S565G.
Identifiers: ClinVar variation 1395209 (VCV001395209.6), dbSNP rs2113782798, ClinGen allele CA361760855.

ClinVar aggregate classification (germline): Uncertain significance (1 of 4 stars; one submission).

Allele frequency attached by ClinVar (database versions not stated): gnomAD exomes below 0.00001.
gnomAD v4.1: 1 of 1,613,656 alleles (0.000062%); highest among the groups gnomAD compares: Non-Finnish European, 0.000085%; no homozygotes.

Submission:

Labcorp Genetics (formerly Invitae), Labcorp
Classification: Uncertain significance. Last evaluated: 2022-07-05. Review status: criteria provided, single submitter. Criteria: Invitae Variant Classification Sherloc (09022015). Collection method: clinical testing. Allele origin: germline.
Comment: In summary, the available evidence is currently insufficient to determine the role of this variant in disease. Therefore, it has been classified as a Variant of Uncertain Significance. Advanced modeling of protein sequence and biophysical properties (such as structural, functional, and spatial information, amino acid conservation, physicochemical variation, residue mobility, and thermodynamic stability) performed at Invitae indicates that this missense variant is not expected to disrupt CSF1R protein function. ClinVar contains an entry for this variant (Variation ID: 1395209). This variant has not been reported in the literature in individuals affected with CSF1R-related conditions. This variant is not present in population databases (gnomAD no frequency). This sequence change replaces serine, which is neutral and polar, with glycine, which is neutral and non-polar, at codon 713 of the CSF1R protein (p.Ser713Gly).